The following is an entry in ClinVar:

ClinVar aggregate classification (germline): Pathogenic (1 of 4 stars; one submission).

Conditions:
Usher syndrome type 2C. Also called: Usher syndrome, type 2B; USHER SYNDROME, TYPE IIC. Identifiers: Orphanet 231178, Orphanet 886, MedGen C2931213, MONDO:0011558, OMIM 605472.

Submission:

3billion
Classification: Pathogenic for Usher syndrome type 2C. Last evaluated: 2024-01-25. Review status: criteria provided, single submitter. Criteria: ACMG Guidelines, 2015. Collection method: clinical testing. Allele origin: germline. Affected: yes.
Comment: The variant is not observed in the gnomAD v2.1.1 dataset. Predicted Consequence/Location: Stop-gained (nonsense) - predicted to result in a loss or disruption of normal protein function through nonsense-mediated decay (NMD) or protein truncation. Multiple pathogenic variants are reported downstream of the variant. The variant was homozygous. Therefore, the variant is classified as pathogenic according to the recommendation of ACMG/AMP guideline.

NM_032119.4(ADGRV1):c.7112dup (p.Ala2371_Asn2372insTer)

Gene: ADGRV1 (adhesion G protein-coupled receptor V1; plus strand). Cytogenetic location: 5q14.3.
Variant type: Duplication.
Coding change: c.7112dup on transcript NM_032119.4 (MANE Select); coding-DNA position 7112, one base duplicated (C; older notation c.7112dupC).
Protein change: p.Ala2371_Asn2372insTer.
Molecular consequence: frameshift variant. On other transcripts: non-coding transcript variant (1).
Genome position (GRCh38, 1-based): chr5:90,692,765, C duplicated. VCF-style (leftmost placement, unchanged base first): chr5-90692764-G-GC. GRCh37 (hg19) VCF-style: chr5-89988581-G-GC.
Identifiers: ClinVar variation 3775411 (VCV003775411.1).